The following is an entry in ClinVar:

ClinVar aggregate classification (germline): Uncertain significance (1 of 4 stars; one submission).

Conditions:
Immunodeficiency 31B. Also called: STAT1 DEFICIENCY, AUTOSOMAL RECESSIVE; IMMUNODEFICIENCY 31B, MYCOBACTERIAL AND VIRAL INFECTIONS, AUTOSOMAL RECESSIVE. Identifiers: Orphanet 391311, MedGen C3151088, MONDO:0013427, OMIM 613796.
Autoimmune enteropathy and endocrinopathy - susceptibility to chronic infections syndrome. Also called: Immunodeficiency 31C; Immunodeficiency 31C, autosomal dominant. Identifiers: Orphanet 391487, MedGen C3279990, MONDO:0013599, OMIM 614162.
Mendelian susceptibility to mycobacterial diseases due to partial STAT1 deficiency. Also called: IMMUNODEFICIENCY 31A, MYCOBACTERIOSIS, AUTOSOMAL DOMINANT; STAT1 DEFICIENCY, AUTOSOMAL DOMINANT; Immunodeficiency 31a. Identifiers: Orphanet 319595, MedGen C4013950, MONDO:0013956, OMIM 614892.

Submission:

Labcorp Genetics (formerly Invitae), Labcorp
Classification: Uncertain significance for Mendelian susceptibility to mycobacterial diseases due to partial STAT1 deficiency; Immunodeficiency 31B; Autoimmune enteropathy and endocrinopathy - susceptibility to chronic infections syndrome. Last evaluated: 2023-10-13. Review status: criteria provided, single submitter. Criteria: Invitae Variant Classification Sherloc (09022015). Collection method: clinical testing. Allele origin: germline.
Comment: This sequence change replaces proline, which is neutral and non-polar, with serine, which is neutral and polar, at codon 553 of the STAT1 protein (p.Pro553Ser). This variant is not present in population databases (gnomAD no frequency). This variant has not been reported in the literature in individuals affected with STAT1-related conditions. ClinVar contains an entry for this variant (Variation ID: 2128913). Algorithms developed to predict the effect of missense changes on protein structure and function output the following: SIFT: "Not Available"; PolyPhen-2: "Benign"; Align-GVGD: "Not Available". The serine amino acid residue is found in multiple mammalian species, which suggests that this missense change does not adversely affect protein function. In summary, the available evidence is currently insufficient to determine the role of this variant in disease. Therefore, it has been classified as a Variant of Uncertain Significance.

NM_007315.4(STAT1):c.1657C>T (p.Pro553Ser)

Gene: STAT1 (signal transducer and activator of transcription 1; minus strand). Cytogenetic location: 2q32.2.
Variant type: single nucleotide variant.
Coding change: c.1657C>T on transcript NM_007315.4 (MANE Select); coding-DNA position 1657, C replaced by T.
Protein change: p.Pro553Ser; replaces proline 553 with serine.
Molecular consequence: missense variant.
Genome position (GRCh38, 1-based): chr2:190,979,842, G>A on the plus strand (C>T on the coding strand, the complement: STAT1 is on the minus strand). VCF-style: chr2-190979842-G-A. GRCh37 (hg19) VCF-style: chr2-191844568-G-A.
Other names: c.1597C>T, p.Pro533Ser (NM_001384880.1); c.1663C>T, p.Pro555Ser (NM_001384881.1, NM_001384884.1); c.1651C>T, p.Pro551Ser (NM_001384882.1); c.1558C>T, p.Pro520Ser (NM_001384883.1); c.1498C>T, p.Pro500Ser (NM_001384885.1); c.1657C>T, p.Pro553Ser (NM_001384886.1, NM_001384889.1, NM_139266.3); c.1564C>T, p.Pro522Ser (NM_001384887.1); c.1627C>T, p.Pro543Ser (NM_001384888.1); and 2 more; short protein forms P523S, P555S, P500S, P533S, P565S, P543S, P551S, P520S.
Identifiers: ClinVar variation 2128913 (VCV002128913.4), dbSNP rs766471694, ClinGen allele CA349914371.
Genomic context (GRCh38, chr2:190,979,842, plus strand): 5'-AGAGAGGGAGCAGGTGTTTTTTAATGAGTTCTAGGATGCTTTCAATCCAAAGCCAGAAGG[G>A]AAAATTTTTATCATTTATATTTTCCTGAAAGTATACAAATGCAGACATTATGAACAAAAA-3'
Protein context (NP_009330.1, residues 543-563): CKENINDKNF[Pro553Ser]FWLWIESILE